The following is an entry in ClinVar:

ClinVar aggregate classification (germline): Uncertain significance (1 of 4 stars; one submission).

Conditions:
Dilated cardiomyopathy 1KK (CMD1KK). Identifiers: Orphanet 154, Orphanet 75249, MedGen C3714995, MONDO:0014100, OMIM 615248.

Allele frequency attached by ClinVar (database versions not stated): gnomAD exomes below 0.00001.
gnomAD v4.1: 1 of 1,614,012 alleles (0.000062%); highest among the groups gnomAD compares: Non-Finnish European, 0.000085%; no homozygotes.

Submission:

Labcorp Genetics (formerly Invitae), Labcorp
Classification: Uncertain significance for Dilated cardiomyopathy 1KK. Last evaluated: 2018-12-05. Review status: criteria provided, single submitter. Criteria: Invitae Variant Classification Sherloc (09022015). Collection method: clinical testing. Allele origin: germline.
Comment: In summary, the available evidence is currently insufficient to determine the role of this variant in disease. Therefore, it has been classified as a Variant of Uncertain Significance. Algorithms developed to predict the effect of missense changes on protein structure and function (SIFT, PolyPhen-2, Align-GVGD) all suggest that this variant is likely to be tolerated, but these predictions have not been confirmed by published functional studies and their clinical significance is uncertain. This variant has not been reported in the literature in individuals with MYPN-related conditions. This variant is not present in population databases (ExAC no frequency). This sequence change replaces proline with arginine at codon 681 of the MYPN protein (p.Pro681Arg). The proline residue is weakly conserved and there is a moderate physicochemical difference between proline and arginine.

NM_032578.4(MYPN):c.2042C>G (p.Pro681Arg)

Gene: MYPN (myopalladin; plus strand). Cytogenetic location: 10q21.3.
Variant type: single nucleotide variant.
Coding change: c.2042C>G on transcript NM_032578.4 (MANE Select); coding-DNA position 2042, C replaced by G.
Protein change: p.Pro681Arg; replaces proline 681 with arginine.
Molecular consequence: missense variant. On other transcripts: non-coding transcript variant (2).
Genome position (GRCh38, 1-based): chr10:68,174,134, C>G. VCF-style: chr10-68174134-C-G. GRCh37 (hg19) VCF-style: chr10-69933891-C-G.
Other names: c.2042C>G, p.Pro681Arg (NM_001256267.2); c.1160C>G, p.Pro387Arg (NM_001256268.2); short protein forms P387R, P681R.
Identifiers: ClinVar variation 656101 (VCV000656101.8), dbSNP rs202084832, ClinGen allele CA376844106.
Genomic context (GRCh38, chr10:68,174,134, plus strand): 5'-CTCAGTTACAACAGCTTCATAACCAAGTCTTACTGGAACAACACCAATTGCAAAACCCAC[C>G]TCCTTCATCTCCTAAGGAGTTTCCTTTCAGCATGACTGTTTTGAACTCCAATGCTCCCCC-3'
Protein context (NP_115967.2, residues 671-691): LLEQHQLQNP[Pro681Arg]PSSPKEFPFS